The following is an entry in ClinVar:

NM_003803.4(MYOM1):c.1048T>G (p.Tyr350Asp)

Gene: MYOM1 (myomesin 1; minus strand). Cytogenetic location: 18p11.31.
Variant type: single nucleotide variant.
Coding change: c.1048T>G on transcript NM_003803.4 (MANE Select); coding-DNA position 1048, T replaced by G.
Protein change: p.Tyr350Asp; replaces tyrosine 350 with aspartic acid.
Molecular consequence: missense variant.
Genome position (GRCh38, 1-based): chr18:3,174,183, A>C on the plus strand (T>G on the coding strand, the complement: MYOM1 is on the minus strand). VCF-style: chr18-3174183-A-C. GRCh37 (hg19) VCF-style: chr18-3174181-A-C.
Other names: c.1048T>G, p.Tyr350Asp (NM_019856.2); short protein forms Y350D.
Identifiers: ClinVar variation 839032 (VCV000839032.9), dbSNP rs1487619209, ClinGen allele CA401715743.

ClinVar aggregate classification (germline): Uncertain significance (1 of 4 stars; one submission).

Conditions:
Hypertrophic cardiomyopathy. Also called: HYPERTROPHIC MYOCARDIOPATHY. Identifiers: Orphanet 217569, MedGen C0007194, MeSH D002312, MONDO:0005045, HP:0001639.

Allele frequency attached by ClinVar (database versions not stated): gnomAD exomes below 0.00001; TOPMed 0.00002.

Submission:

Labcorp Genetics (formerly Invitae), Labcorp
Classification: Uncertain significance for Hypertrophic cardiomyopathy. Last evaluated: 2022-06-04. Review status: criteria provided, single submitter. Criteria: Invitae Variant Classification Sherloc (09022015). Collection method: clinical testing. Allele origin: germline.
Comment: In summary, the available evidence is currently insufficient to determine the role of this variant in disease. Therefore, it has been classified as a Variant of Uncertain Significance. Algorithms developed to predict the effect of missense changes on protein structure and function (SIFT, PolyPhen-2, Align-GVGD) all suggest that this variant is likely to be disruptive. ClinVar contains an entry for this variant (Variation ID: 839032). This variant has not been reported in the literature in individuals affected with MYOM1-related conditions. This variant is present in population databases (no rsID available, gnomAD 0.006%). This sequence change replaces tyrosine, which is neutral and polar, with aspartic acid, which is acidic and polar, at codon 350 of the MYOM1 protein (p.Tyr350Asp).